The following is an entry in ClinVar:

ClinVar aggregate classification (germline): Uncertain significance (1 of 4 stars; one submission).

Submission:

Labcorp Genetics (formerly Invitae), Labcorp
Classification: Uncertain significance. Last evaluated: 2022-08-09. Review status: criteria provided, single submitter. Criteria: Invitae Variant Classification Sherloc (09022015). Collection method: clinical testing. Allele origin: germline.
Comment: In summary, the available evidence is currently insufficient to determine the role of this variant in disease. Therefore, it has been classified as a Variant of Uncertain Significance. This variant has not been reported in the literature in individuals affected with LAMC3-related conditions. This variant results in a copy number gain of the genomic region encompassing exon(s) 2-28 of the LAMC3 gene. This region includes the termination codon of the gene. This copy number gain extends beyond the assayed region for this gene and therefore may encompass additional genes. As the precise location of this event is unknown, it may be in tandem or it may be located elsewhere in the genome.

NC_000009.11:g.(?_133901652)_(134398493_?)dup

Genes: AIF1L (allograft inflammatory factor 1 like; plus strand), FAM78A (family with sequence similarity 78 member A; minus strand), LAMC3 (laminin subunit gamma 3; plus strand), NUP214 (nucleoporin 214; plus strand), PLPP7 (phospholipid phosphatase 7 (inactive); plus strand) and 2 more. Cytogenetic location: 9q34.12-34.13.
Variant type: Duplication.
Identifiers: ClinVar variation 1445318 (VCV001445318.5).